The following is an entry in ClinVar:

ClinVar aggregate classification (germline): Uncertain significance. Review status: criteria provided, multiple submitters, no conflicts (2 of 4 stars). 3 submissions from 3 submitters: Uncertain significance (3). Last evaluated 2025-06-28.

Conditions:
Fanconi anemia (FA). Also called: Fanconi's anemia. Identifiers: Orphanet 84, MedGen C0015625, MeSH D005199, MONDO:0019391.
Inborn genetic diseases. Identifiers: MedGen C0950123, MeSH D030342.

Submissions (3):

Ambry Genetics
Classification: Uncertain significance for Inborn genetic diseases. Last evaluated: 2025-06-28. Review status: criteria provided, single submitter. Criteria: Ambry Variant Classification Scheme 2023. Collection method: clinical testing. Allele origin: germline.
Comment: The p.P543L variant (also known as c.1628C>T), located in coding exon 18 of the FANCA gene, results from a C to T substitution at nucleotide position 1628. The proline at codon 543 is replaced by leucine, an amino acid with similar properties. This amino acid position is conserved. In addition, the in silico prediction for this alteration is inconclusive. Based on the available evidence, the clinical significance of this variant remains unclear.

Blueprint Genetics
Classification: Uncertain significance. Last evaluated: 2021-12-28. Review status: criteria provided, single submitter. Criteria: ACMG Guidelines, 2015. Collection method: clinical testing. Allele origin: germline.

Labcorp Genetics (formerly Invitae), Labcorp
Classification: Uncertain significance for Fanconi anemia. Last evaluated: 2019-03-28. Review status: criteria provided, single submitter. Criteria: Invitae Variant Classification Sherloc (09022015). Collection method: clinical testing. Allele origin: germline.
Comment: In summary, the available evidence is currently insufficient to determine the role of this variant in disease. Therefore, it has been classified as a Variant of Uncertain Significance. Algorithms developed to predict the effect of missense changes on protein structure and function are either unavailable or do not agree on the potential impact of this missense change (SIFT: "Tolerated"; PolyPhen-2: "Possibly Damaging"; Align-GVGD: "Class C0"). This variant has not been reported in the literature in individuals with FANCA-related conditions. This variant is not present in population databases (ExAC no frequency). This sequence change replaces proline with leucine at codon 543 of the FANCA protein (p.Pro543Leu). The proline residue is weakly conserved and there is a moderate physicochemical difference between proline and leucine.

NM_000135.4(FANCA):c.1628C>T (p.Pro543Leu)

Gene: FANCA (FA complementation group A; minus strand). Cytogenetic location: 16q24.3.
Variant type: single nucleotide variant.
Coding change: c.1628C>T on transcript NM_000135.4 (MANE Select); coding-DNA position 1628, C replaced by T.
Protein change: p.Pro543Leu; replaces proline 543 with leucine.
Molecular consequence: missense variant.
Genome position (GRCh38, 1-based): chr16:89,779,956, G>A on the plus strand (C>T on the coding strand, the complement: FANCA is on the minus strand). VCF-style: chr16-89779956-G-A. GRCh37 (hg19) VCF-style: chr16-89846364-G-A.
Other names: c.1628C>T, p.Pro543Leu (NM_001286167.3); short protein forms P543L.
Identifiers: ClinVar variation 864300 (VCV000864300.10), dbSNP rs2039644737, ClinGen allele CA397456634.